The following is an entry in ClinVar:

NM_003280.3(TNNC1):c.426G>C (p.Lys142Asn)

Gene: TNNC1 (troponin C1, slow skeletal and cardiac type; minus strand). Cytogenetic location: 3p21.1.
Variant type: single nucleotide variant.
Coding change: c.426G>C on transcript NM_003280.3 (MANE Select); coding-DNA position 426, G replaced by C.
Protein change: p.Lys142Asn; replaces lysine 142 with asparagine.
Molecular consequence: missense variant.
Genome position (GRCh38, 1-based): chr3:52,451,419, C>G on the plus strand (G>C on the coding strand, the complement: TNNC1 is on the minus strand). VCF-style: chr3-52451419-C-G. GRCh37 (hg19) VCF-style: chr3-52485435-C-G.
Other names: short protein forms K142N.
Identifiers: ClinVar variation 847856 (VCV000847856.6), dbSNP rs756513152, ClinGen allele CA2438497.
Genomic context (GRCh38, chr3:52,451,419, plus strand): 5'-GAGGCAGGAGATCAGCCCACCCACCCGCTTACCATCATAGTCGATGCGGCCGTCGTTGTT[C>G]TTGTCTCCGTCCTTCATGAGCTCCTCGATGTCGTCCTCCGTGATGGTCTCGCCTGTAGCC-3'
Protein context (NP_003271.1, residues 132-152): DIEELMKDGD[Lys142Asn]NNDGRIDYDE

ClinVar aggregate classification (germline): Uncertain significance (1 of 4 stars; one submission).

Conditions:
Dilated cardiomyopathy 1Z (CMD1Z). Identifiers: Orphanet 154, MedGen C2678475, MONDO:0012745, OMIM 611879.
Hypertrophic cardiomyopathy 13. Also called: TNNC1-Related Familial Hypertrophic Cardiomyopathy. Identifiers: MedGen C2750472, MONDO:0013195, OMIM 613243.

Allele frequency attached by ClinVar (database versions not stated): gnomAD exomes below 0.00001; ExAC 0.00001.
gnomAD v4.1: 1 of 1,614,190 alleles (0.000062%); highest among the groups gnomAD compares: Non-Finnish European, 0.000085%; no homozygotes.

Submission:

Labcorp Genetics (formerly Invitae), Labcorp
Classification: Uncertain significance for Hypertrophic cardiomyopathy 13; Dilated cardiomyopathy 1Z. Last evaluated: 2019-04-09. Review status: criteria provided, single submitter. Criteria: Invitae Variant Classification Sherloc (09022015). Collection method: clinical testing. Allele origin: germline.
Comment: In summary, the available evidence is currently insufficient to determine the role of this variant in disease. Therefore, it has been classified as a Variant of Uncertain Significance. Algorithms developed to predict the effect of missense changes on protein structure and function (SIFT, PolyPhen-2, Align-GVGD) all suggest that this variant is likely to be tolerated, but these predictions have not been confirmed by published functional studies and their clinical significance is uncertain. This variant has not been reported in the literature in individuals with TNNC1-related conditions. This variant is present in population databases (rs756513152, ExAC 0.002%). This sequence change replaces lysine with asparagine at codon 142 of the TNNC1 protein (p.Lys142Asn). The lysine residue is moderately conserved and there is a moderate physicochemical difference between lysine and asparagine.